The following is an entry in ClinVar:

NM_005670.4(EPM2A):c.148G>T (p.Gly50Trp)

Genes: EPM2A (EPM2A glucan phosphatase, laforin; minus strand), EPM2A-DT (EPM2A divergent transcript; plus strand), LOC129997381 (ATAC-STARR-seq lymphoblastoid silent region 17642; plus strand). Cytogenetic location: 6q24.3.
Variant type: single nucleotide variant.
Coding change: c.148G>T on transcript NM_005670.4 (MANE Select); coding-DNA position 148, G replaced by T.
Protein change: p.Gly50Trp; replaces glycine 50 with tryptophan.
Molecular consequence: missense variant. On other transcripts: 5 prime UTR variant (3), intron variant (1).
Genome position (GRCh38, 1-based): chr6:145,735,351, C>A on the plus strand (G>T on the coding strand, the complement: EPM2A is on the minus strand). VCF-style: chr6-145735351-C-A. GRCh37 (hg19) VCF-style: chr6-146056487-C-A.
Other names: c.148G>T, p.Gly50Trp (NM_001018041.2, NM_001360057.2, NM_001368130.1); c.-522G>T (NM_001360071.2); c.-476G>T (NM_001368129.2); c.-220G>T (NM_001368131.1); c.-114+557G>T (NM_001360064.2); short protein forms G50W.
Identifiers: ClinVar variation 2044072 (VCV002044072.5), dbSNP rs753397854, ClinGen allele CA366188209.

ClinVar aggregate classification (germline): Uncertain significance. Review status: criteria provided, multiple submitters, no conflicts (2 of 4 stars). 2 submissions from 2 submitters: Uncertain significance (2). Last evaluated 2025-12-15.

Conditions:
Inborn genetic diseases. Identifiers: MedGen C0950123, MeSH D030342.
Progressive myoclonic epilepsy. Also called: Familial progressive myoclonic epilepsy; Myoclonic Epilepsies, Progressive; Myoclonus epilepsy; Progressive myoclonus epilepsy. Identifiers: Orphanet 308, Orphanet 98261, MedGen C0751778, MONDO:0020074.

gnomAD v4.1: 3 of 1,204,132 alleles (0.00025%); highest among the groups gnomAD compares: African/African-American, 0.0033%; no homozygotes.

Submissions (2):

Labcorp Genetics (formerly Invitae), Labcorp
Classification: Uncertain significance for Progressive myoclonic epilepsy. Last evaluated: 2025-12-15. Review status: criteria provided, single submitter. Criteria: Invitae Variant Classification Sherloc (09022015). Collection method: clinical testing. Allele origin: germline.
Comment: This sequence change replaces glycine, which is neutral and non-polar, with tryptophan, which is neutral and slightly polar, at codon 50 of the EPM2A protein (p.Gly50Trp). This variant is not present in population databases (gnomAD no frequency). This variant has not been reported in the literature in individuals affected with EPM2A-related conditions. ClinVar contains an entry for this variant (Variation ID: 2044072). An algorithm developed to predict the effect of missense changes on protein structure and function (PolyPhen-2) suggests that this variant is likely to be disruptive. In summary, the available evidence is currently insufficient to determine the role of this variant in disease. Therefore, it has been classified as a Variant of Uncertain Significance.

Ambry Genetics
Classification: Uncertain significance for Inborn genetic diseases. Last evaluated: 2022-12-01. Review status: criteria provided, single submitter. Criteria: Ambry Variant Classification Scheme 2023. Collection method: clinical testing. Allele origin: germline.